The following is an entry in ClinVar:

NM_001365088.1(SLC12A6):c.3007C>T (p.His1003Tyr)

Gene: SLC12A6 (solute carrier family 12 member 6; minus strand). Cytogenetic location: 15q14.
Variant type: single nucleotide variant.
Coding change: c.3007C>T on transcript NM_001365088.1 (MANE Select); coding-DNA position 3007, C replaced by T.
Protein change: p.His1003Tyr; replaces histidine 1003 with tyrosine.
Molecular consequence: missense variant.
Genome position (GRCh38, 1-based): chr15:34,236,743, G>A on the plus strand (C>T on the coding strand, the complement: SLC12A6 is on the minus strand). VCF-style: chr15-34236743-G-A. GRCh37 (hg19) VCF-style: chr15-34528944-G-A.
Other names: c.2830C>T, p.His944Tyr (NM_001042494.2, NM_001042495.2); c.2980C>T, p.His994Tyr (NM_001042496.2); c.2962C>T, p.His988Tyr (NM_001042497.2); c.2854C>T, p.His952Tyr (NM_005135.2); c.3007C>T, p.His1003Tyr (NM_133647.2); short protein forms H1003Y, H952Y, H994Y, H988Y, H944Y.
Identifiers: ClinVar variation 2069256 (VCV002069256.3), dbSNP rs368094267, ClinGen allele CA7463950.

ClinVar aggregate classification (germline): Uncertain significance (1 of 4 stars; one submission).

Allele frequency attached by ClinVar (database versions not stated): TOPMed 0.00001; ExAC 0.00002; gnomAD 0.00002; gnomAD exomes 0.00004; ESP Exome Variant Server 0.00008.
gnomAD v4.1: 61 of 1,609,404 alleles (0.0038%); highest among the groups gnomAD compares: Non-Finnish European, 0.0037%; no homozygotes.

Submission:

Labcorp Genetics (formerly Invitae), Labcorp
Classification: Uncertain significance. Last evaluated: 2024-08-15. Review status: criteria provided, single submitter. Criteria: Invitae Variant Classification Sherloc (09022015). Collection method: clinical testing. Allele origin: germline.
Comment: This sequence change replaces histidine, which is basic and polar, with tyrosine, which is neutral and polar, at codon 1003 of the SLC12A6 protein (p.His1003Tyr). This variant is present in population databases (rs368094267, gnomAD 0.03%). This variant has not been reported in the literature in individuals affected with SLC12A6-related conditions. ClinVar contains an entry for this variant (Variation ID: 2069256). Invitae Evidence Modeling of protein sequence and biophysical properties (such as structural, functional, and spatial information, amino acid conservation, physicochemical variation, residue mobility, and thermodynamic stability) indicates that this missense variant is expected to disrupt SLC12A6 protein function with a positive predictive value of 80%. In summary, the available evidence is currently insufficient to determine the role of this variant in disease. Therefore, it has been classified as a Variant of Uncertain Significance.